The following is an entry in ClinVar:

NM_002439.5(MSH3):c.2957_2990delinsTAAGTGCTCATCAGATACTTACATCAGATACTTA (p.Gly986_Phe997delinsValSerAlaHisGlnIleLeuThrSerAspThrTyr)

Gene: MSH3 (mutS homolog 3; plus strand). Cytogenetic location: 5q14.1.
Variant type: Indel.
Coding change: c.2957_2990delinsTAAGTGCTCATCAGATACTTACATCAGATACTTA on transcript NM_002439.5 (MANE Select); coding-DNA positions 2957 to 2990, the reference bases replaced by an inserted sequence.
Protein change: p.Gly986_Phe997delinsValSerAlaHisGlnIleLeuThrSerAspThrTyr.
Molecular consequence: missense variant.
Genome position (GRCh38, 1-based): chr5:80,854,273-80,854,306, 34 bases replaced. GRCh37 (hg19): chr5:80,150,092-80,150,125.
Other names: c.2957_2990del34insTAAGTGCTCATCAGATACTTACATCAGATACTTA (NM_002439.3).
Identifiers: ClinVar variation 1011839 (VCV001011839.10), dbSNP rs1745879944, ClinGen allele CA1558578694.

ClinVar aggregate classification (germline): Conflicting classifications of pathogenicity. Review status: criteria provided, conflicting classifications (1 of 4 stars). 2 submissions from 2 submitters: Likely pathogenic (1); Uncertain significance (1). Last evaluated 2025-12-03.

Conditions:
Hereditary cancer-predisposing syndrome. Also called: Hereditary Cancer Syndrome; Tumor predisposition; Neoplastic Syndromes, Hereditary; Hereditary neoplastic syndrome. Identifiers: Orphanet 140162, MedGen C0027672, MeSH D009386, MONDO:0015356.

Submissions (2):

Ambry Genetics
Classification: Likely pathogenic for Hereditary cancer-predisposing syndrome. Last evaluated: 2025-12-03. Review status: criteria provided, single submitter. Criteria: Ambry Variant Classification Scheme 2023. Collection method: clinical testing. Allele origin: germline.
Comment: The c.2957_2990DEL34INS34 variant, located in coding exon 21 of the MSH3 gene, results from an in-frame deletion of 34 nucleotides and insertion of 34 different nucleotides at nucleotide positions 2957 to 2990, resulting in amino acid substitutions at codons 986 to 997 (p.G986_F997delinsVSAHQILTSDTY). This variant is considered to be rare based on population cohorts in the Genome Aggregation Database (gnomAD). This amino acid region is highly conserved in available vertebrate species. In silico splice site analysis predicts that this alteration may weaken the native splice donor site and may result in the creation or strengthening of a novel splice donor site. RNA studies have demonstrated that this alteration results in abnormal splicing in the set of samples tested (Ambry internal data). Based on the majority of available evidence to date, this variant is likely to be pathogenic.

Labcorp Genetics (formerly Invitae), Labcorp
Classification: Uncertain significance. Last evaluated: 2022-09-07. Review status: criteria provided, single submitter. Criteria: Invitae Variant Classification Sherloc (09022015). Collection method: clinical testing. Allele origin: germline.
Comment: This variant, c.2957_2990delins34, is a complex sequence change that results in the deletion of 12 and insertion of 12 different amino acid(s) in the MSH3 protein (p.Gly986_Phe997delins12). In summary, the available evidence is currently insufficient to determine the role of this variant in disease. Therefore, it has been classified as a Variant of Uncertain Significance. Algorithms developed to predict the effect of sequence changes on RNA splicing suggest that this variant may create or strengthen a splice site. Experimental studies and prediction algorithms are not available or were not evaluated, and the functional significance of this variant is currently unknown. ClinVar contains an entry for this variant (Variation ID: 1011839). This variant has not been reported in the literature in individuals affected with MSH3-related conditions. Information on the frequency of this variant in the gnomAD database is not available, as this variant may be reported differently in the database.